The following is an entry in ClinVar:

NC_000009.11:g.(?_34489311)_(34493336_?)del

Gene: DNAI1 (dynein axonemal intermediate chain 1; plus strand). Cytogenetic location: 9p13.3.
Variant type: Deletion.
Identifiers: ClinVar variation 1068410 (VCV001068410.15).

ClinVar aggregate classification (germline): Likely pathogenic (1 of 4 stars; one submission).

Conditions:
Primary ciliary dyskinesia. Also called: Ciliary dyskinesia. Identifiers: Orphanet 244, MedGen C0008780, MONDO:0016575, HP:0012265.

Submission:

Labcorp Genetics (formerly Invitae), Labcorp
Classification: Likely pathogenic for Primary ciliary dyskinesia. Last evaluated: 2020-09-01. Review status: criteria provided, single submitter. Criteria: Invitae Variant Classification Sherloc (09022015). Collection method: clinical testing. Allele origin: germline.
Comment: In summary, the currently available evidence indicates that the variant is pathogenic, but additional data are needed to prove that conclusively. Therefore, this variant has been classified as Likely Pathogenic. This variant disrupts the p.Arg124 amino acid residue in DNAI1. Other variant(s) that disrupt this residue have been determined to be pathogenic (Invitae). This suggests that this residue is clinically significant, and that variants that disrupt this residue are likely to be disease-causing. This variant has not been reported in the literature in individuals with DNAI1-related conditions. This variant is an in-frame deletion of the genomic region encompassing exon(s) 5-9 of the DNAI1 gene. It preserves the integrity of the reading frame.